The following is an entry in ClinVar:

ClinVar aggregate classification (germline): Pathogenic (1 of 4 stars; one submission).

Conditions:
Townes-Brocks syndrome 1 (TBS1). Also called: SALL1-Related Townes-Brocks Syndrome; DEAFNESS, SENSORINEURAL, WITH IMPERFORATE ANUS AND THUMB ANOMALIES; REAR SYNDROME; RENAL-EAR-ANAL-RADIAL SYNDROME. Identifiers: Orphanet 857, MedGen C4551481, MONDO:0054581, OMIM 107480.

Submission:

Centre de Biologie Pathologie Génétique, Centre Hospitalier Universitaire de Lille
Classification: Pathogenic for Townes-Brocks syndrome 1. Last evaluated: 2025-02-27. Review status: criteria provided, single submitter. Criteria: ACMG Guidelines, 2015. Collection method: clinical testing. Allele origin: de novo. Inheritance: Autosomal dominant inheritance. Affected: yes.
Comment: PVS1 + PM2 + PP4 + PS2

NM_002968.3(SALL1):c.902dup (p.Ser302fs)

Gene: SALL1 (spalt like transcription factor 1; minus strand). Cytogenetic location: 16q12.1.
Variant type: Duplication.
Coding change: c.902dup on transcript NM_002968.3 (MANE Select); coding-DNA position 902, one base duplicated (A; older notation c.902dupA).
Protein change: p.Ser302fs; shifts the reading frame from serine 302.
Molecular consequence: frameshift variant.
Genome position (GRCh38, 1-based): chr16:51,141,320, T duplicated on the plus strand (A on the coding strand, the reverse complement: SALL1 is on the minus strand). VCF-style (leftmost placement, unchanged base first): chr16-51141319-C-CT. GRCh37 (hg19) VCF-style: chr16-51175230-C-CT.
Other names: c.611dup, p.Ser205fs (NM_001127892.2); short protein forms S205fs, S302fs.
Identifiers: ClinVar variation 3765534 (VCV003765534.1).